The following is an entry in ClinVar:

NM_001267550.2(TTN):c.82732A>G (p.Lys27578Glu)

Genes: TTN (titin; minus strand), TTN-AS1 (TTN antisense RNA 1; plus strand). Cytogenetic location: 2q31.2.
Variant type: single nucleotide variant.
Coding change: c.82732A>G on transcript NM_001267550.2 (MANE Select); coding-DNA position 82732, A replaced by G.
Protein change: p.Lys27578Glu; replaces lysine 27578 with glutamic acid.
Molecular consequence: missense variant.
Genome position (GRCh38, 1-based): chr2:178,563,400, T>C on the plus strand (A>G on the coding strand, the complement: TTN is on the minus strand). VCF-style: chr2-178563400-T-C. GRCh37 (hg19) VCF-style: chr2-179428127-T-C.
Other names: c.77809A>G, p.Lys25937Glu (NM_001256850.1); c.55537A>G, p.Lys18513Glu (NM_003319.4); c.75028A>G, p.Lys25010Glu (NM_133378.4); c.55912A>G, p.Lys18638Glu (NM_133432.3); c.56113A>G, p.Lys18705Glu (NM_133437.4); short protein forms K27578E, K25010E, K18513E, K18638E, K25937E, K18705E.
Identifiers: ClinVar variation 332757 (VCV000332757.14), dbSNP rs368850871, ClinGen allele CA1989024.

ClinVar aggregate classification (germline): Conflicting classifications of pathogenicity. Review status: criteria provided, conflicting classifications (1 of 4 stars). 9 submissions from 5 submitters: Uncertain significance (6); Likely benign (3). Last evaluated 2025-05-22.

Conditions:
Tibial muscular dystrophy (TMD). Also called: UDD MYOPATHY; Tibial muscular dystrophy, tardive; Udd Distal Myopathy – Tibial Muscular Dystrophy. Identifiers: Orphanet 609, MedGen C1838244, MONDO:0010870, OMIM 600334.
Early-onset myopathy with fatal cardiomyopathy (CMYO5). Also called: Salih Myopathy; CONGENITAL MYOPATHY 5 WITH CARDIOMYOPATHY. Identifiers: Orphanet 289377, MedGen C2673677, MONDO:0012714, OMIM 611705. Disease mechanism: loss of function.
TTN-related disorder. Also called: TTN-related disorders; TTN-related condition; TTN-related disease.
Autosomal recessive limb-girdle muscular dystrophy type 2J (LGMDR10). Also called: Limb-girdle muscular dystrophy, type 2J; MUSCULAR DYSTROPHY, LIMB-GIRDLE, AUTOSOMAL RECESSIVE 10. Identifiers: Orphanet 140922, MedGen C1837342, MONDO:0012127, OMIM 608807.
Myopathy, myofibrillar, 9, with early respiratory failure (MFM9). Also called: MYOPATHY, PROXIMAL, WITH EARLY RESPIRATORY MUSCLE INVOLVEMENT; Hereditary myopathy with early respiratory failure; Myopathy, distal, with early respiratory failure, autosomal dominant; EDSTROM MYOPATHY. Identifiers: Orphanet 178464, Orphanet 34521, MedGen C1863599, MONDO:0011362, OMIM 603689.
Dilated cardiomyopathy 1G (CMD1G). Identifiers: Orphanet 154, MedGen C1858763, MONDO:0011400, OMIM 604145.

Allele frequency attached by ClinVar (database versions not stated): gnomAD 0.00001 and 0.00003; gnomAD exomes 0.00001 and 0.00003; ExAC 0.00002; TOPMed 0.00004; ESP Exome Variant Server 0.00008.

Submissions (9):

PreventionGenetics, part of Exact Sciences
Classification: Uncertain significance for TTN-related condition. Last evaluated: 2025-05-22. Review status: criteria provided, single submitter. Criteria: ACMG Guidelines, 2015. Collection method: clinical testing. Allele origin: germline.
Comment: The TTN c.82732A>G variant is predicted to result in the amino acid substitution p.Lys27578Glu. To our knowledge, this variant has not been reported in the literature. This variant is reported in 0.060% of alleles in individuals of Ashkenazi Jewish descent in gnomAD. Although we suspect that this variant may be benign, at this time, the clinical significance of this variant is uncertain due to the absence of conclusive functional and genetic evidence.

Revvity Omics, Revvity
Classification: Uncertain significance. Last evaluated: 2024-08-28. Review status: criteria provided, single submitter. Criteria: ACMG Guidelines, 2015. Collection method: clinical testing. Allele origin: germline.

GeneDx
Classification: Likely benign. Last evaluated: 2019-10-29. Review status: criteria provided, single submitter. Criteria: GeneDx Variant Classification Process June 2021. Collection method: clinical testing. Allele origin: germline. Affected: yes.
Comment: Missense variant in a gene in which most reported pathogenic variants are truncating/loss-of-function; In silico analysis, which includes protein predictors and evolutionary conservation, supports that this variant does not alter protein structure/function; Has not been previously published as pathogenic or benign to our knowledge

Illumina Laboratory Services, Illumina
Classification: Likely benign for Myopathy, myofibrillar, 9, with early respiratory failure. Last evaluated: 2018-01-12. Review status: criteria provided, single submitter. Criteria: ICSL Variant Classification Criteria 13 December 2019. Collection method: clinical testing. Allele origin: germline.
Comment: This variant was observed in the ICSL laboratory as part of a predisposition screen in an ostensibly healthy population. It had not been previously curated by ICSL or reported in the Human Gene Mutation Database (HGMD: prior to June 1st, 2018), and was therefore a candidate for classification through an automated scoring system. Utilizing variant allele frequency, disease prevalence and penetrance estimates, and inheritance mode, an automated score was calculated to assess if this variant is too frequent to cause the disease. Based on the score and internal cut-off values, a variant classified as likely benign is not then subjected to further curation. The score for this variant resulted in a classification of likely benign for this disease.

Illumina Laboratory Services, Illumina
Classification: Uncertain significance for Autosomal recessive limb-girdle muscular dystrophy type 2J. Last evaluated: 2018-01-12. Review status: criteria provided, single submitter. Criteria: ICSL Variant Classification Criteria 13 December 2019. Collection method: clinical testing. Allele origin: germline.

Illumina Laboratory Services, Illumina
Classification: Likely benign for Tibial muscular dystrophy. Last evaluated: 2018-01-12. Review status: criteria provided, single submitter. Criteria: ICSL Variant Classification Criteria 13 December 2019. Collection method: clinical testing. Allele origin: germline.
Comment: the same text as in the submission from Illumina Laboratory Services, Illumina above.

Illumina Laboratory Services, Illumina
Classification: Uncertain significance for Dilated cardiomyopathy 1G. Last evaluated: 2018-01-12. Review status: criteria provided, single submitter. Criteria: ICSL Variant Classification Criteria 13 December 2019. Collection method: clinical testing. Allele origin: germline.

Illumina Laboratory Services, Illumina
Classification: Uncertain significance for Early-onset myopathy with fatal cardiomyopathy. Last evaluated: 2018-01-12. Review status: criteria provided, single submitter. Criteria: ICSL Variant Classification Criteria 13 December 2019. Collection method: clinical testing. Allele origin: germline.

Eurofins Ntd Llc (ga)
Classification: Uncertain significance. Last evaluated: 2017-01-30. Review status: criteria provided, single submitter. Criteria: EGL Classification Definitions 2015. Collection method: clinical testing. Allele origin: germline. Observed: 2 variant alleles, 2 heterozygotes.